The following is an entry in ClinVar:

NM_001005242.3(PKP2):c.2357C>A (p.Ala786Asp)

Gene: PKP2 (plakophilin 2; minus strand). Cytogenetic location: 12p11.21.
Variant type: single nucleotide variant.
Coding change: c.2357C>A on transcript NM_001005242.3 (MANE Select); coding-DNA position 2357, C replaced by A.
Protein change: p.Ala786Asp; replaces alanine 786 with aspartic acid.
Molecular consequence: missense variant.
Genome position (GRCh38, 1-based): chr12:32,796,109, G>T on the plus strand (C>A on the coding strand, the complement: PKP2 is on the minus strand). VCF-style: chr12-32796109-G-T. GRCh37 (hg19) VCF-style: chr12-32949043-G-T.
Other names: c.2489C>A, p.Ala830Asp (NM_004572.4); short protein forms A830D, A786D.
Identifiers: ClinVar variation 373739 (VCV000373739.5), dbSNP rs1057518582, ClinGen allele CA16042896.
Genomic context (GRCh38, chr12:32,796,109, plus strand): 5'-TTACACACAGGCTGGTGAGGGGAAAGGGAGGCAGCTGACGGGCAGAACTGAAGGACTTAC[G>T]CATCGCCTGCACTAATGGCCATAATTTTCTGGATGCCCCCGGTGTTTAGAAGGTCGCGTG-3'
Protein context (NP_001005242.2, residues 776-796): QKIMAISAGD[Ala786Asp]YASNKASKAA

ClinVar aggregate classification (germline): Uncertain significance. Review status: criteria provided, multiple submitters, no conflicts (2 of 4 stars). 2 submissions from 2 submitters: Uncertain significance (2). Last evaluated 2017-10-05.

Conditions:
Cardiovascular phenotype. Identifiers: MedGen CN230736.

gnomAD v4.1: 1 of 1,612,820 alleles (0.000062%); highest among the groups gnomAD compares: Non-Finnish European, 0.000085%; no homozygotes.

Submissions (2):

Ambry Genetics
Classification: Uncertain significance for Cardiovascular phenotype. Last evaluated: 2017-10-05. Review status: criteria provided, single submitter. Criteria: Ambry Variant Classification Scheme 2023. Collection method: clinical testing. Allele origin: germline.
Comment: The c.2489C>A variant (also known as p.A830D), located in coding exon 12 of the PKP2 gene, results from a C to A substitution at nucleotide position 2489. The amino acid change results in alanine to aspartic acid at codon 830, an amino acid with dissimilar properties. However, this change occurs in the last base pair of coding exon 12, which makes it likely to have some effect on normal mRNA splicing. This amino acid position is poorly conserved in available vertebrate species, and aspartic acid is the reference amino acid in other vertebrate species. In addition, this alteration is predicted to be tolerated by in silico analysis. Since supporting evidence is limited at this time, the clinical significance of this alteration remains unclear.

GeneDx
Classification: Uncertain significance. Last evaluated: 2016-12-08. Review status: criteria provided, single submitter. Criteria: GeneDx Variant Classification (06012015). Collection method: clinical testing. Allele origin: germline. Affected: yes.
Comment: A variant of uncertain significance has been identified in the PKP2 gene. The A830D variant has not been published as a pathogenic variant, nor has it been reported as a benign variant to our knowledge. This variant was not observed in approximately 6,500 individuals of European and African American ancestry in the NHLBI Exome Sequencing Project, indicating it is not a common benign variant in these populations. The A830D variant is a non-conservative amino acid substitution, which is likely to impact secondary protein structure as these residues differ in polarity, charge, size and/or other properties. However, this substitution occurs at a position that is not conserved across species and in silico analysis predicts this variant likely does not alter the protein structure/function.